The following is an entry in ClinVar:

NM_005045.4(RELN):c.3593G>A (p.Arg1198His)

Gene: RELN (reelin; minus strand). Cytogenetic location: 7q22.1.
Variant type: single nucleotide variant.
Coding change: c.3593G>A on transcript NM_005045.4 (MANE Select); coding-DNA position 3593, G replaced by A.
Protein change: p.Arg1198His; replaces arginine 1198 with histidine.
Molecular consequence: missense variant.
Genome position (GRCh38, 1-based): chr7:103,594,439, C>T on the plus strand (G>A on the coding strand, the complement: RELN is on the minus strand). VCF-style: chr7-103594439-C-T. GRCh37 (hg19) VCF-style: chr7-103234886-C-T.
Other names: c.3593G>A, p.Arg1198His (NM_173054.3); short protein forms R1198H.
Identifiers: ClinVar variation 648431 (VCV000648431.10), dbSNP rs114655373, ClinGen allele CA4421710.

ClinVar aggregate classification (germline): Uncertain significance (1 of 4 stars; one submission).

Conditions:
Norman-Roberts syndrome (LIS2). Also called: Lissencephaly 2 (Norman-Roberts type). Identifiers: Orphanet 89844, MedGen C0796089, MONDO:0009760, OMIM 257320.
Familial temporal lobe epilepsy 7. Identifiers: Orphanet 101046, MedGen C4225327, MONDO:0014639, OMIM 616436.

Allele frequency attached by ClinVar (database versions not stated): gnomAD 0.00004; TOPMed 0.00004; ESP Exome Variant Server 0.00008.
gnomAD v4.1: 24 of 1,613,784 alleles (0.0015%); highest among the groups gnomAD compares: Admixed American, 0.005%; no homozygotes.

Submission:

Labcorp Genetics (formerly Invitae), Labcorp
Classification: Uncertain significance for Familial temporal lobe epilepsy 7; Norman-Roberts syndrome. Last evaluated: 2025-04-17. Review status: criteria provided, single submitter. Criteria: Invitae Variant Classification Sherloc (09022015). Collection method: clinical testing. Allele origin: germline.
Comment: This sequence change replaces arginine, which is basic and polar, with histidine, which is basic and polar, at codon 1198 of the RELN protein (p.Arg1198His). This variant is present in population databases (rs114655373, gnomAD 0.008%). This variant has not been reported in the literature in individuals affected with RELN-related conditions. ClinVar contains an entry for this variant (Variation ID: 648431). Invitae Evidence Modeling of protein sequence and biophysical properties (such as structural, functional, and spatial information, amino acid conservation, physicochemical variation, residue mobility, and thermodynamic stability) has been performed for this missense variant. However, the output from this modeling did not meet the statistical confidence thresholds required to predict the impact of this variant on RELN protein function. In summary, the available evidence is currently insufficient to determine the role of this variant in disease. Therefore, it has been classified as a Variant of Uncertain Significance.